The following is an entry in ClinVar:

ClinVar aggregate classification (germline): Uncertain significance. Review status: criteria provided, multiple submitters, no conflicts (2 of 4 stars). 4 submissions from 4 submitters: Uncertain significance (3). 1 of the submissions does not count toward it. Last evaluated 2024-11-25.

Conditions:
Retinal dystrophy. Also called: Inherited retinal dystrophy. Identifiers: Orphanet 71862, MedGen C0854723, MeSH D058499, MONDO:0019118, HP:0000556.
Retinitis pigmentosa 86. Identifiers: MedGen C5231428, MONDO:0032834, OMIM 618613.

Allele frequency attached by ClinVar (database versions not stated): ESP Exome Variant Server 0.00008; TOPMed 0.00027.
gnomAD v4.1: 349 of 1,610,030 alleles (0.022%); highest among the groups gnomAD compares: Middle Eastern, 0.12%; 1 homozygote.

Submissions (4):

Blueprint Genetics
Classification: Uncertain significance. Last evaluated: 2024-11-25. Review status: criteria provided, single submitter. Criteria: ACMG Guidelines, 2015. Collection method: clinical testing. Allele origin: germline.

Fulgent Genetics
Classification: Uncertain significance for Retinitis pigmentosa 86. Last evaluated: 2024-03-18. Review status: criteria provided, single submitter. Criteria: ACMG Guidelines, 2015. Collection method: clinical testing. Allele origin: germline.

Labcorp Genetics (formerly Invitae), Labcorp
Classification: Uncertain significance. Last evaluated: 2024-01-19. Review status: criteria provided, single submitter. Criteria: Invitae Variant Classification Sherloc (09022015). Collection method: clinical testing. Allele origin: germline.
Comment: This sequence change replaces proline, which is neutral and non-polar, with leucine, which is neutral and non-polar, at codon 1476 of the KIAA1549 protein (p.Pro1476Leu). This variant is present in population databases (rs201971426, gnomAD 0.02%). This variant has not been reported in the literature in individuals affected with KIAA1549-related conditions. ClinVar contains an entry for this variant (Variation ID: 858471). An algorithm developed to predict the effect of missense changes on protein structure and function (PolyPhen-2) suggests that this variant¬†is likely to be tolerated. In summary, the available evidence is currently insufficient to determine the role of this variant in disease. Therefore, it has been classified as a Variant of Uncertain Significance.

Institute of Human Genetics, Univ. Regensburg, Univ. Regensburg
Classification: Uncertain significance for Retinal dystrophy. Last evaluated: 2022-01-01. Review status: no assertion criteria provided. Criteria: ACMG Guidelines, 2015. Collection method: clinical testing. Allele origin: germline. Affected: yes. Not counted in ClinVar's aggregate classification.

NM_001164665.2(KIAA1549):c.4427C>T (p.Pro1476Leu)

Gene: KIAA1549 (KIAA1549; minus strand). Cytogenetic location: 7q34.
Variant type: single nucleotide variant.
Coding change: c.4427C>T on transcript NM_001164665.2 (MANE Select); coding-DNA position 4427, C replaced by T.
Protein change: p.Pro1476Leu; replaces proline 1476 with leucine.
Molecular consequence: missense variant.
Genome position (GRCh38, 1-based): chr7:138,871,281, G>A on the plus strand (C>T on the coding strand, the complement: KIAA1549 is on the minus strand). VCF-style: chr7-138871281-G-A. GRCh37 (hg19) VCF-style: chr7-138556027-G-A.
Other names: c.4427C>T, p.Pro1476Leu (NM_020910.3); short protein forms P1476L.
Identifiers: ClinVar variation 858471 (VCV000858471.7), dbSNP rs201971426, ClinGen allele CA4505903.